The following is an entry in ClinVar:

NM_030665.4(RAI1):c.5070C>T (p.Cys1690=)

Gene: RAI1 (retinoic acid induced 1; plus strand). Cytogenetic location: 17p11.2.
Variant type: single nucleotide variant.
Coding change: c.5070C>T on transcript NM_030665.4 (MANE Select); coding-DNA position 5070, C replaced by T.
Protein change: p.Cys1690=; no amino-acid change (cysteine 1690 retained).
Molecular consequence: synonymous variant.
Genome position (GRCh38, 1-based): chr17:17,798,018, C>T. VCF-style: chr17-17798018-C-T. GRCh37 (hg19) VCF-style: chr17-17701332-C-T.
Other names: c.5070C>T (NM_030665.3).
Identifiers: ClinVar variation 1578030 (VCV001578030.9), dbSNP rs773408576, ClinGen allele CA8419088.

ClinVar aggregate classification (germline): Likely benign. Review status: criteria provided, single submitter (1 of 4 stars). 2 submissions from 2 submitters: Likely benign (1). 1 of the submissions does not count toward it. Last evaluated 2025-11-15.

Conditions:
RAI1-related disorder. Also called: RAI1-related condition.

Allele frequency attached by ClinVar (database versions not stated): gnomAD exomes 0.00001 and 0.00002; gnomAD 0.00003; TOPMed 0.00003; ExAC 0.00002.

Submissions (2):

Labcorp Genetics (formerly Invitae), Labcorp
Classification: Likely benign. Last evaluated: 2025-11-15. Review status: criteria provided, single submitter. Criteria: Invitae Variant Classification Sherloc (09022015). Collection method: clinical testing. Allele origin: germline.

PreventionGenetics, part of Exact Sciences
Classification: Likely benign for RAI1-related condition. Last evaluated: 2024-08-07. Review status: no assertion criteria provided. Collection method: clinical testing. Allele origin: germline. Not counted in ClinVar's aggregate classification.
Comment: This variant is classified as likely benign based on ACMG/AMP sequence variant interpretation guidelines (Richards et al. 2015 PMID: 25741868, with internal and published modifications).